The following is an entry in ClinVar:

ClinVar aggregate classification (germline): Uncertain significance (1 of 4 stars; one submission).

Conditions:
Charcot-Marie-Tooth disease axonal type 2O. Also called: CHARCOT-MARIE-TOOTH NEUROPATHY, AXONAL, TYPE 2O; CHARCOT-MARIE-TOOTH DISEASE, AXONAL, AUTOSOMAL DOMINANT, TYPE 2O; Charcot-Marie-Tooth Neuropathy Type 2O; Charcot-Marie-Tooth disease, axonal, type 20. Identifiers: Orphanet 284232, MedGen C3280220, MONDO:0013644, OMIM 614228.

Allele frequency attached by ClinVar (database versions not stated): gnomAD 0.00001.
gnomAD v4.1: 2 of 1,614,076 alleles (0.00012%); highest among the groups gnomAD compares: Admixed American, 0.0017%; no homozygotes.

Submission:

Labcorp Genetics (formerly Invitae), Labcorp
Classification: Uncertain significance for Charcot-Marie-Tooth disease axonal type 2O. Last evaluated: 2023-05-30. Review status: criteria provided, single submitter. Criteria: Invitae Variant Classification Sherloc (09022015). Collection method: clinical testing. Allele origin: germline.
Comment: Advanced modeling of protein sequence and biophysical properties (such as structural, functional, and spatial information, amino acid conservation, physicochemical variation, residue mobility, and thermodynamic stability) has been performed at Invitae for this missense variant, however the output from this modeling did not meet the statistical confidence thresholds required to predict the impact of this variant on DYNC1H1 protein function. This variant has not been reported in the literature in individuals affected with DYNC1H1-related conditions. This variant is not present in population databases (gnomAD no frequency). This sequence change replaces arginine, which is basic and polar, with proline, which is neutral and non-polar, at codon 2869 of the DYNC1H1 protein (p.Arg2869Pro). In summary, the available evidence is currently insufficient to determine the role of this variant in disease. Therefore, it has been classified as a Variant of Uncertain Significance.

NM_001376.5(DYNC1H1):c.8606G>C (p.Arg2869Pro)

Gene: DYNC1H1 (dynein cytoplasmic 1 heavy chain 1; plus strand). Cytogenetic location: 14q32.31.
Variant type: single nucleotide variant.
Coding change: c.8606G>C on transcript NM_001376.5 (MANE Select); coding-DNA position 8606, G replaced by C.
Protein change: p.Arg2869Pro; replaces arginine 2869 with proline.
Molecular consequence: missense variant.
Genome position (GRCh38, 1-based): chr14:102,022,849, G>C. VCF-style: chr14-102022849-G-C. GRCh37 (hg19) VCF-style: chr14-102489186-G-C.
Other names: short protein forms R2869P.
Identifiers: ClinVar variation 2780974 (VCV002780974.3), dbSNP rs776582823, ClinGen allele CA391007213.
Genomic context (GRCh38, chr14:102,022,849, plus strand): 5'-ACATCGACACGGTTGCTCTGAAGCACTTCCCTAACATCGACAGAGAGAAGGCAATGAGCC[G>C]ACCCATCTTGTACAGCAACTGGCTGTCAAAGGTAGCAAACTCGCATCATTTCAGACATAC-3'
Protein context (NP_001367.2, residues 2859-2879): PNIDREKAMS[Arg2869Pro]PILYSNWLSK